The following is an entry in ClinVar:

ClinVar aggregate classification (germline): Uncertain significance (1 of 4 stars; one submission).

Conditions:
Hereditary spastic paraplegia 3A (SPG3A). Also called: SPASTIC PARAPLEGIA 3, AUTOSOMAL DOMINANT; FAMILIAL SPASTIC PARAPLEGIA, AUTOSOMAL DOMINANT, 1; SPG3; STRUMPELL DISEASE; Spastic Paraplegia 3A; Spastic paraplegia 3A, autosomal dominant. Identifiers: Orphanet 100984, MedGen C2931355, MONDO:0008437, OMIM 182600.

Allele frequency attached by ClinVar (database versions not stated): TOPMed below 0.00001.

Submission:

Labcorp Genetics (formerly Invitae), Labcorp
Classification: Uncertain significance for Hereditary spastic paraplegia 3A. Last evaluated: 2021-08-25. Review status: criteria provided, single submitter. Criteria: Invitae Variant Classification Sherloc (09022015). Collection method: clinical testing. Allele origin: germline.
Comment: This sequence change falls in intron 13 of the ATL1 gene. It does not directly change the encoded amino acid sequence of the ATL1 protein. It affects a nucleotide within the consensus splice site of the intron. This variant is not present in population databases (ExAC no frequency). This variant has not been reported in the literature in individuals affected with ATL1-related conditions. Variants that disrupt the consensus splice site are a relatively common cause of aberrant splicing (PMID: 17576681, 9536098). Algorithms developed to predict the effect of sequence changes on RNA splicing suggest that this variant may disrupt the consensus splice site. In summary, the available evidence is currently insufficient to determine the role of this variant in disease. Therefore, it has been classified as a Variant of Uncertain Significance.

Literature cited by the submitters: PubMed 17576681; PubMed 9536098.

NM_015915.5(ATL1):c.1566+2dup

Gene: ATL1 (atlastin GTPase 1; plus strand). Cytogenetic location: 14q22.1.
Variant type: Duplication.
Coding change: c.1566+2dup on transcript NM_015915.5 (MANE Select); the canonical splice donor site of the intron after coding-DNA position 1566, one base duplicated (T; older notation c.1566+2dupT).
Molecular consequence: splice donor variant. On other transcripts: intron variant (2).
Genome position (GRCh38, 1-based): chr14:50,630,011, T duplicated. VCF-style (leftmost placement, unchanged base first): chr14-50630010-G-GT. GRCh37 (hg19) VCF-style: chr14-51096728-G-GT.
Other names: c.1551+1549dup (NM_001127713.1, NM_181598.4).
Identifiers: ClinVar variation 1515205 (VCV001515205.6), dbSNP rs2039564321, ClinGen allele CA2136289611.
Genomic context (GRCh38, chr14:50,630,010, plus strand): 5'-GGATATATACTTTTCTTTTTTCTTTTTAATCTGCCTTTGCCACAGGGAAGTACAAATGAG[G>GT]TAAGTTAAATTTTTTAAAATTCAGAGCTATGTATGTGTAAACATTATGATATTATTTTAT-3'